The following is an entry in ClinVar:

NM_000525.4(KCNJ11):c.868G>A (p.Val290Met)

Gene: KCNJ11 (potassium inwardly rectifying channel subfamily J member 11; minus strand). Cytogenetic location: 11p15.1.
Variant type: single nucleotide variant.
Coding change: c.868G>A on transcript NM_000525.4 (MANE Select); coding-DNA position 868, G replaced by A.
Protein change: p.Val290Met; replaces valine 290 with methionine.
Molecular consequence: missense variant.
Genome position (GRCh38, 1-based): chr11:17,387,224, C>T on the plus strand (G>A on the coding strand, the complement: KCNJ11 is on the minus strand). VCF-style: chr11-17387224-C-T. GRCh37 (hg19) VCF-style: chr11-17408771-C-T.
Other names: c.607G>A, p.Val203Met (NM_001166290.2, NM_001377296.1, NM_001377297.1); short protein forms V290M, V203M.
Identifiers: ClinVar variation 435556 (VCV000435556.14), dbSNP rs750414160, ClinGen allele CA5902229.

ClinVar aggregate classification (germline): Conflicting classifications of pathogenicity. Review status: criteria provided, conflicting classifications (1 of 4 stars). 7 submissions from 7 submitters: Likely pathogenic (6); Uncertain significance (1). Last evaluated 2025-08-15.

Conditions:
Hyperinsulinemic hypoglycemia, familial, 2. Also called: HYPERINSULINEMIC HYPOGLYCEMIA, PERSISTENT; HYPERINSULINISM, NEONATAL. Identifiers: Orphanet 276580, Orphanet 276603, MedGen C2931833, MONDO:0011153, OMIM 601820. Disease mechanism: loss of function.
Hyperinsulinemia. Also called: Hyperinsulinism. Identifiers: MedGen C0020459, MONDO:0002177, HP:0000842.
Type 2 diabetes mellitus. Also called: Type II diabetes mellitus. Identifiers: MedGen C0011860, MeSH D003924, MONDO:0005148, OMIM 125853, HP:0005978.
Maturity-onset diabetes of the young type 13. Also called: MODY, TYPE 13. Identifiers: Orphanet 552, MedGen C4225365, MONDO:0014589, OMIM 616329.
Diabetes mellitus, permanent neonatal 2. Also called: KCNJ11-Related Permanent Neonatal Diabetes Mellitus. Identifiers: MedGen C5394296, MONDO:0030087, OMIM 618856.
Diabetes mellitus, transient neonatal, 3 (TNDM3). Identifiers: Orphanet 99886, MedGen C1864623, MONDO:0012522, OMIM 610582. Disease mechanism: loss of function.
Familial hyperinsulinism. Also called: Congenital hyperinsulinism. Identifiers: Orphanet 276525, MedGen C3888018, MONDO:0017182. Disease mechanism: loss of function.

Allele frequency attached by ClinVar (database versions not stated): gnomAD below 0.00001 and 0.00001; TOPMed below 0.00001.
gnomAD v4.1: 14 of 1,614,114 alleles (0.00087%); highest among the groups gnomAD compares: South Asian, 0.0044%; no homozygotes.

Submissions (7):

Labcorp Genetics (formerly Invitae), Labcorp
Classification: Likely pathogenic. Last evaluated: 2025-08-15. Review status: criteria provided, single submitter. Criteria: Invitae Variant Classification Sherloc (09022015). Collection method: clinical testing. Allele origin: germline.
Comment: This sequence change replaces valine, which is neutral and non-polar, with methionine, which is neutral and non-polar, at codon 290 of the KCNJ11 protein (p.Val290Met). This variant is present in population databases (rs750414160, gnomAD 0.01%). This missense change has been observed in individuals with autosomal recessive diffuse or paternally inherited focal hyperinsulinism (PMID: 20980454). ClinVar contains an entry for this variant (Variation ID: 435556). Invitae Evidence Modeling of protein sequence and biophysical properties (such as structural, functional, and spatial information, amino acid conservation, physicochemical variation, residue mobility, and thermodynamic stability) has been performed for this missense variant. However, the output from this modeling did not meet the statistical confidence thresholds required to predict the impact of this variant on KCNJ11 protein function. Experimental studies have shown that this missense change affects KCNJ11 function (PMID: 20980454). In summary, the currently available evidence indicates that the variant is pathogenic, but additional data are needed to prove that conclusively. Therefore, this variant has been classified as Likely Pathogenic.

Fulgent Genetics
Classification: Likely pathogenic for Type 2 diabetes mellitus; Hyperinsulinemic hypoglycemia, familial, 2; Diabetes mellitus, transient neonatal, 3; Maturity-onset diabetes of the young type 13; Diabetes mellitus, permanent neonatal 2. Last evaluated: 2024-05-08. Review status: criteria provided, single submitter. Criteria: ACMG Guidelines, 2015. Collection method: clinical testing. Allele origin: germline.

Baylor Genetics
Classification: Likely pathogenic for Type 2 diabetes mellitus. Last evaluated: 2024-03-30. Review status: criteria provided, single submitter. Criteria: ACMG Guidelines, 2015. Collection method: clinical testing. Allele origin: unknown.

Women's Health and Genetics/Laboratory Corporation of America, LabCorp
Classification: Likely pathogenic for Familial hyperinsulinism. Last evaluated: 2024-02-22. Review status: criteria provided, single submitter. Criteria: LabCorp Variant Classification Summary - May 2015. Collection method: clinical testing. Allele origin: germline.
Comment: Variant summary: KCNJ11 c.868G>A (p.Val290Met) results in a conservative amino acid change located in the Inward rectifier potassium channel, C-terminal (IPR041647) of the encoded protein sequence. Three of five in-silico tools predict a damaging effect of the variant on protein function. The variant allele was found at a frequency of 2e-05 in 251416 control chromosomes. c.868G>A has been reported in the literature either at a homozygous state or at a heterozygous state in at-least two unrelated individuals affected with Familial Hyperinsulinism (example, Loechner_2011, Maiorana_2014). In the family with a proband carrying the homozygous variant, two of clinically unaffected carriers with the heterozygous variant reported abnormally enhanced glucose tolerance. This variant, at a heterozygous state was also identified in patients with type 1 diabetes and unspecified carrier(s) without Diabetes (Sanyoura_2018, Billings_2022). These data indicate that the variant may be associated with disease. At least one publication reports experimental evidence evaluating an impact on protein function. The most pronounced variant effect results in diminished Potassium channel activity when expressed homomerically, and to a lesser extent (about 50%) when expressed heteromerically with wild-type subunit in COSm6 cells (Loechner_2011), suggesting of a loss-of-function variant. The following publications have been ascertained in the context of this evaluation (PMID: 36208030, 20980454, 24383515, 28938416). ClinVar contains an entry for this variant (Variation ID: 435556). Based on the evidence outlined above, the variant was classified as likely pathogenic.

Genetic Services Laboratory, University of Chicago
Classification: Likely pathogenic for Hyperinsulinemic hypoglycemia, familial, 2. Last evaluated: 2015-02-13. Review status: criteria provided, single submitter. Criteria: ACMG Guidelines, 2015. Collection method: clinical testing. Allele origin: germline. Affected: yes.

Clinical Biomedical Laboratory, Shriners Hospital For Children - Canada
Classification: Likely pathogenic for Hyperinsulinemic hypoglycemia, familial, 2. Review status: criteria provided, single submitter. Criteria: ACMG Guidelines, 2015. Collection method: clinical testing. Allele origin: germline. Affected: yes.
Comment: This variant is predicted to substitute a valine residue by a methionine residue in KCNJ11. This variant is absent in the Genome Aggregation Database (gnomAD v2.1.1), indicating it is very rare. Computational tools (REVEL: 0.71) suggest that the amino acid change is deleterious to protein function. The gene is associated with familial hyperinsulinemic hypoglycemia 2, which is in accordance with the clinical diagnosis of the proband. The variant has been reported as a cause of hyperinsulinism in the literature and the functional consequences of the variant have been examined in vitro (PMID 20980454). Based on the ACMG variant interpretation guidelines (criteria: PM1, PP2, PM2, PP3, PP5), the available evidence supports classification of this variant as likely pathogenic.

Clinical Genomics, Uppaluri K&H Personalized Medicine Clinic
Classification: Uncertain significance for Hyperinsulinemia. Review status: criteria provided, single submitter. Criteria: K & H Uppaluri Personalized Medicine Clinic Variant Classification & Assertion Criteria_Updated V.1. Collection method: research. Allele origin: somatic. Inheritance: Autosomal dominant inheritance.
Comment: Mutations in KCNJ 11 gene can cause decreased production and secretion of insulin. This can lead to MODY which may be responsive to oral sulfonylureas. However, this particular variant (rs750414160) of KCNJ11 gene can inactivate KATP channels that can inturn lead to hyperinsulinemia. More studies are required to ascertain the role of this particular variant (rs750414160) in MODY.

Literature cited by the submitters: PubMed 20980454 (cited by 3 submitters); PubMed 36208030 (cited by Women's Health and Genetics/Laboratory Corporation of America, LabCorp); PubMed 24383515 (cited by Women's Health and Genetics/Laboratory Corporation of America, LabCorp); PubMed 28938416 (cited by Women's Health and Genetics/Laboratory Corporation of America, LabCorp and Clinical Genomics, Uppaluri K&H Personalized Medicine Clinic).